The following is an entry in ClinVar:

NM_000092.5(COL4A4):c.3329T>C (p.Ile1110Thr)

Gene: COL4A4 (collagen type IV alpha 4 chain; minus strand). Cytogenetic location: 2q36.3.
Variant type: single nucleotide variant.
Coding change: c.3329T>C on transcript NM_000092.5 (MANE Select); coding-DNA position 3329, T replaced by C.
Protein change: p.Ile1110Thr; replaces isoleucine 1110 with threonine.
Molecular consequence: missense variant.
Genome position (GRCh38, 1-based): chr2:227,043,145, A>G on the plus strand (T>C on the coding strand, the complement: COL4A4 is on the minus strand). VCF-style: chr2-227043145-A-G. GRCh37 (hg19) VCF-style: chr2-227907861-A-G.
Other names: short protein forms I1110T.
Identifiers: ClinVar variation 4705852 (VCV004705852.1).
Genomic context (GRCh38, chr2:227,043,145, plus strand): 5'-CCTGGTGGTCCAGAGGAGCCAGGTGGCCCTGGCCTTCCAGGTGATCCTCTGGGCCCTTGA[A>G]TACCAGGCAAGCCCTGCTCTCCGGATGCTCCAAAATGCCCTAAAGAAGGAAAGATCAAAC-3'
Protein context (NP_000083.3, residues 1100-1120): GASGEQGLPG[Ile1110Thr]QGPRGSPGRP

ClinVar aggregate classification (germline): Uncertain significance (1 of 4 stars; one submission).

Submission:

Labcorp Genetics (formerly Invitae), Labcorp
Classification: Uncertain significance. Last evaluated: 2025-08-28. Review status: criteria provided, single submitter. Criteria: Invitae Variant Classification Sherloc (09022015). Collection method: clinical testing. Allele origin: germline.
Comment: This sequence change replaces isoleucine, which is neutral and non-polar, with threonine, which is neutral and polar, at codon 1110 of the COL4A4 protein (p.Ile1110Thr). This variant is not present in population databases (gnomAD no frequency). This variant has not been reported in the literature in individuals affected with COL4A4-related conditions. Invitae Evidence Modeling of protein sequence and biophysical properties (such as structural, functional, and spatial information, amino acid conservation, physicochemical variation, residue mobility, and thermodynamic stability) indicates that this missense variant is not expected to disrupt COL4A4 protein function with a negative predictive value of 95%. In summary, the available evidence is currently insufficient to determine the role of this variant in disease. Therefore, it has been classified as a Variant of Uncertain Significance.